The following is an entry in ClinVar:

ClinVar aggregate classification (germline): Uncertain significance (1 of 4 stars; one submission).

Submission:

Labcorp Genetics (formerly Invitae), Labcorp
Classification: Uncertain significance. Last evaluated: 2024-06-04. Review status: criteria provided, single submitter. Criteria: Invitae Variant Classification Sherloc (09022015). Collection method: clinical testing. Allele origin: germline.
Comment: This sequence change replaces aspartic acid, which is acidic and polar, with glutamic acid, which is acidic and polar, at codon 750 of the LAMC3 protein (p.Asp750Glu). This variant is not present in population databases (gnomAD no frequency). This variant has not been reported in the literature in individuals affected with LAMC3-related conditions. An algorithm developed to predict the effect of missense changes on protein structure and function (PolyPhen-2) suggests that this variant is likely to be disruptive. In summary, the available evidence is currently insufficient to determine the role of this variant in disease. Therefore, it has been classified as a Variant of Uncertain Significance.

NM_006059.4(LAMC3):c.2250C>A (p.Asp750Glu)

Gene: LAMC3 (laminin subunit gamma 3; plus strand). Cytogenetic location: 9q34.12.
Variant type: single nucleotide variant.
Coding change: c.2250C>A on transcript NM_006059.4 (MANE Select); coding-DNA position 2250, C replaced by A.
Protein change: p.Asp750Glu; replaces aspartic acid 750 with glutamic acid.
Molecular consequence: missense variant.
Genome position (GRCh38, 1-based): chr9:131,061,126, C>A. VCF-style: chr9-131061126-C-A. GRCh37 (hg19) VCF-style: chr9-133936513-C-A.
Other names: short protein forms D750E.
Identifiers: ClinVar variation 3654621 (VCV003654621.2).